The following is an entry in ClinVar:

ClinVar aggregate classification (germline): Uncertain significance (1 of 4 stars; one submission).

Submission:

Ambry Genetics
Classification: Uncertain significance. Last evaluated: 2024-04-19. Review status: criteria provided, single submitter. Criteria: Ambry Variant Classification Scheme 2023. Collection method: clinical testing. Allele origin: germline.
Comment: The p.E2541D variant (also known as c.7623A>C), located in coding exon 29 of the POLQ gene, results from an A to C substitution at nucleotide position 7623. The glutamic acid at codon 2541 is replaced by aspartic acid, an amino acid with highly similar properties. This amino acid position is conserved. In addition, this alteration is predicted to be deleterious by in silico analysis. Based on the available evidence, the clinical significance of this variant remains unclear.

NM_199420.4(POLQ):c.7623A>C (p.Glu2541Asp)

Gene: POLQ (DNA polymerase theta; minus strand). Cytogenetic location: 3q13.33.
Variant type: single nucleotide variant.
Coding change: c.7623A>C on transcript NM_199420.4 (MANE Select); coding-DNA position 7623, A replaced by C.
Protein change: p.Glu2541Asp; replaces glutamic acid 2541 with aspartic acid.
Molecular consequence: missense variant.
Genome position (GRCh38, 1-based): chr3:121,432,954, T>G on the plus strand (A>C on the coding strand, the complement: POLQ is on the minus strand). VCF-style: chr3-121432954-T-G. GRCh37 (hg19) VCF-style: chr3-121151801-T-G.
Other names: short protein forms E2541D.
Identifiers: ClinVar variation 3308639 (VCV003308639.1).